The following is an entry in ClinVar:

NM_024870.4(PREX2):c.1431C>T (p.Asp477=)

Gene: PREX2 (phosphatidylinositol-3,4,5-trisphosphate dependent Rac exchange factor 2; plus strand). Cytogenetic location: 8q13.2.
Variant type: single nucleotide variant.
Coding change: c.1431C>T on transcript NM_024870.4 (MANE Select); coding-DNA position 1431, C replaced by T.
Protein change: p.Asp477=; no amino-acid change (aspartic acid 477 retained).
Molecular consequence: synonymous variant.
Genome position (GRCh38, 1-based): chr8:68,069,124, C>T. VCF-style: chr8-68069124-C-T. GRCh37 (hg19) VCF-style: chr8-68981359-C-T.
Other names: c.1431C>T, p.Asp477= (NM_025170.6).
Identifiers: ClinVar variation 780757 (VCV000780757.6), dbSNP rs111417126, ClinGen allele CA4773608.

ClinVar aggregate classification (germline): Benign. Review status: criteria provided, multiple submitters, no conflicts (2 of 4 stars). 3 submissions from 3 submitters: Benign (2). 1 of the submissions does not count toward it. Last evaluated 2018-05-24.

Conditions:
PREX2-related disorder. Also called: PREX2-related condition.

Allele frequency attached by ClinVar (database versions not stated): gnomAD exomes 0.00177; ESP Exome Variant Server 0.00777; ExAC 0.00237; gnomAD 0.00765 and 0.00727; 1000 Genomes Project 0.01018; 1000 Genomes Project 30x 0.01031; TOPMed 0.00792.
gnomAD v4.1: 2,073 of 1,552,720 alleles (0.13%); highest among the groups gnomAD compares: African/African-American, 2.5%; 29 homozygotes.

Submissions (3):

Labcorp Genetics (formerly Invitae), Labcorp
Classification: Benign. Last evaluated: 2018-05-24. Review status: criteria provided, single submitter. Criteria: Invitae Variant Classification Sherloc (09022015). Collection method: clinical testing. Allele origin: germline.

Breakthrough Genomics
Classification: Benign. Review status: criteria provided, single submitter. Criteria: ACMG Guidelines, 2015. Collection method: not provided. Allele origin: germline. Inheritance: Unknown mechanism. Affected: yes.

PreventionGenetics, part of Exact Sciences
Classification: Benign for PREX2-related condition. Last evaluated: 2019-05-01. Review status: no assertion criteria provided. Collection method: clinical testing. Allele origin: germline. Not counted in ClinVar's aggregate classification.
Comment: This variant is classified as benign based on ACMG/AMP sequence variant interpretation guidelines (Richards et al. 2015 PMID: 25741868, with internal and published modifications).